The following is an entry in ClinVar:

ClinVar aggregate classification (germline): Uncertain significance. Review status: criteria provided, multiple submitters, no conflicts (2 of 4 stars). 2 submissions from 2 submitters: Uncertain significance (2). Last evaluated 2025-06-30.

Conditions:
Inborn genetic diseases. Identifiers: MedGen C0950123, MeSH D030342.
Malignant hyperthermia, susceptibility to, 1 (MHS1). Also called: Malignant hyperthermia suceptibility 1; Anesthesia related hyperthermia; Malignant hyperpyrexia; Fulminating hyperpyrexia; Pharmacogenic myopathy; RYR1-Related Malignant Hyperthermia Susceptibility. Identifiers: Orphanet 423, MedGen C2930980, MONDO:0007783, OMIM 145600.

Allele frequency attached by ClinVar (database versions not stated): gnomAD 0.00001; gnomAD exomes 0.00001.
gnomAD v4.1: 5 of 1,613,372 alleles (0.00031%); highest among the groups gnomAD compares: Non-Finnish European, 0.00042%; no homozygotes.

Submissions (2):

Color Diagnostics, LLC DBA Color Health
Classification: Uncertain significance for Malignant hyperthermia, susceptibility to, 1. Last evaluated: 2025-06-30. Review status: criteria provided, single submitter. Criteria: ACMG Guidelines, 2015. Collection method: clinical testing. Allele origin: germline.
Comment: This missense variant replaces leucine with valine at codon 1407 of the RYR1 protein. Computational prediction suggests that this variant may not impact protein structure and function. To our knowledge, functional studies have not been reported for this variant. This variant has not been reported in individuals affected with RYR1-related disorders in the literature. This variant has been identified in 1/31392 chromosomes in the general population by the Genome Aggregation Database (gnomAD). The available evidence is insufficient to determine the role of this variant in disease conclusively. Therefore, this variant is classified as a Variant of Uncertain Significance.

Ambry Genetics
Classification: Uncertain significance for Inborn genetic diseases. Last evaluated: 2022-04-22. Review status: criteria provided, single submitter. Criteria: Ambry Variant Classification Scheme 2023. Collection method: clinical testing. Allele origin: germline.

NM_000540.3(RYR1):c.4219C>G (p.Leu1407Val)

Gene: RYR1 (ryanodine receptor 1; plus strand). Cytogenetic location: 19q13.2.
Variant type: single nucleotide variant.
Coding change: c.4219C>G on transcript NM_000540.3 (MANE Select); coding-DNA position 4219, C replaced by G.
Protein change: p.Leu1407Val; replaces leucine 1407 with valine.
Molecular consequence: missense variant.
Genome position (GRCh38, 1-based): chr19:38,475,376, C>G. VCF-style: chr19-38475376-C-G. GRCh37 (hg19) VCF-style: chr19-38966016-C-G.
Other names: c.4219C>G, p.Leu1407Val (NM_001042723.2); short protein forms L1407V.
Identifiers: ClinVar variation 2284835 (VCV002284835.3), dbSNP rs1340087033, ClinGen allele CA405644396.